The following is an entry in ClinVar:

ClinVar aggregate classification (germline): Likely benign (1 of 4 stars; one submission).

Allele frequency attached by ClinVar (database versions not stated): gnomAD 0.00004 and 0.00018; TOPMed 0.00010; gnomAD exomes 0.00038 and 0.00082; ExAC 0.00093; 1000 Genomes Project 30x 0.00094; 1000 Genomes Project 0.00100.

Submission:

GeneDx
Classification: Likely benign. Last evaluated: 2017-11-30. Review status: criteria provided, single submitter. Criteria: GeneDx Variant Classification (06012015). Collection method: clinical testing. Allele origin: germline. Affected: yes.
Comment: This variant is considered likely benign or benign based on one or more of the following criteria: it is a conservative change, it occurs at a poorly conserved position in the protein, it is predicted to be benign by multiple in silico algorithms, and/or has population frequency not consistent with disease.

NM_001080779.2(MYO1C):c.2841C>T (p.Val947=)

Gene: MYO1C (myosin IC; minus strand). Cytogenetic location: 17p13.3.
Variant type: single nucleotide variant.
Coding change: c.2841C>T on transcript NM_001080779.2 (MANE Select); coding-DNA position 2841, C replaced by T.
Protein change: p.Val947=; no amino-acid change (valine 947 retained).
Molecular consequence: synonymous variant.
Genome position (GRCh38, 1-based): chr17:1,468,043, G>A on the plus strand (C>T on the coding strand, the complement: MYO1C is on the minus strand). VCF-style: chr17-1468043-G-A. GRCh37 (hg19) VCF-style: chr17-1371337-G-A.
Other names: c.2784C>T, p.Val928= (NM_001080950.2); c.2769C>T, p.Val923= (NM_001363855.1); c.2736C>T, p.Val912= (NM_033375.5).
Identifiers: ClinVar variation 513840 (VCV000513840.1), dbSNP rs547545831, ClinGen allele CA8266804.